The following is an entry in ClinVar:

NM_000368.5(TSC1):c.2116C>T (p.Arg706Cys)

Gene: TSC1 (TSC complex subunit 1; minus strand). Cytogenetic location: 9q34.13.
Variant type: single nucleotide variant.
Coding change: c.2116C>T on transcript NM_000368.5 (MANE Select); coding-DNA position 2116, C replaced by T.
Protein change: p.Arg706Cys; replaces arginine 706 with cysteine.
Molecular consequence: missense variant.
Genome position (GRCh38, 1-based): chr9:132,903,743, G>A on the plus strand (C>T on the coding strand, the complement: TSC1 is on the minus strand). VCF-style: chr9-132903743-G-A. GRCh37 (hg19) VCF-style: chr9-135779130-G-A.
Other names: c.1963C>T, p.Arg655Cys (NM_001162427.2); c.1753C>T, p.Arg585Cys (NM_001362177.2); c.2113C>T, p.Arg705Cys (NM_001162426.2); short protein forms R655C, R585C, R705C, R706C.
Identifiers: ClinVar variation 663558 (VCV000663558.14), dbSNP rs1588304163, ClinGen allele CA375361017.
Genomic context (GRCh38, chr9:132,903,743, plus strand): 5'-CTTTGATCACCTTGCGGAGGAGCCGCCTGTTCCGGAGGGCATGCTGCTGCCTCTTAAAAC[G>A]CTCATAGAGTAACTGGTTGTGCAGTAAAAGCAACTGGTCTCGGAGGGTGCGGATCTCATC-3'
Protein context (NP_000359.1, residues 696-716): LLLHNQLLYE[Arg706Cys]FKRQQHALRN

ClinVar aggregate classification (germline): Uncertain significance. Review status: criteria provided, multiple submitters, no conflicts (2 of 4 stars). 5 submissions from 5 submitters: Uncertain significance (5). Last evaluated 2026-09-14.

Conditions:
Tuberous sclerosis 1 (TSC1). Identifiers: Orphanet 805, MedGen C1854465, MONDO:0008612, OMIM 191100.
TSC1-related disorder. Also called: TSC1-related condition.
Hereditary cancer-predisposing syndrome. Also called: Neoplastic Syndromes, Hereditary; Hereditary Cancer Syndrome; Hereditary neoplastic syndrome; Tumor predisposition. Identifiers: Orphanet 140162, MedGen C0027672, MeSH D009386, MONDO:0015356.
Lymphangiomyomatosis (LAM). Also called: Lymphangioleiomyomatosis, somatic; Lymphangioleiomyomatosis. Identifiers: Orphanet 538, MedGen C0751674, MONDO:0011705, OMIM 606690.
Isolated focal cortical dysplasia type II (FCORD2). Also called: Focal cortical dysplasia type II; CORTICAL DYSPLASIA OF TAYLOR. Identifiers: Orphanet 268994, MedGen C1846385, MONDO:0011818, OMIM 607341, HP:0032051.

Allele frequency attached by ClinVar (database versions not stated): gnomAD exomes below 0.00001.
gnomAD v4.1: 2 of 1,613,626 alleles (0.00012%); highest among the groups gnomAD compares: Non-Finnish European, 0.00017%; no homozygotes.

Submissions (5):

Ambry Genetics
Classification: Uncertain significance for Hereditary cancer-predisposing syndrome. Last evaluated: 2026-09-14. Review status: criteria provided, single submitter. Criteria: Ambry Variant Classification Scheme 2023. Collection method: clinical testing. Allele origin: germline.
Comment: The p.R706C variant (also known as c.2116C>T), located in coding exon 15 of the TSC1 gene, results from a C to T substitution at nucleotide position 2116. The arginine at codon 706 is replaced by cysteine, an amino acid with highly dissimilar properties. This amino acid position is highly conserved in available vertebrate species. In addition, this alteration is predicted to be deleterious by in silico analysis. Since supporting evidence is limited at this time, the clinical significance of this alteration remains unclear.

Labcorp Genetics (formerly Invitae), Labcorp
Classification: Uncertain significance for Tuberous sclerosis 1. Last evaluated: 2024-08-27. Review status: criteria provided, single submitter. Criteria: Invitae Variant Classification Sherloc (09022015). Collection method: clinical testing. Allele origin: germline.
Comment: This sequence change replaces arginine, which is basic and polar, with cysteine, which is neutral and slightly polar, at codon 706 of the TSC1 protein (p.Arg706Cys). This variant is not present in population databases (gnomAD no frequency). This variant has not been reported in the literature in individuals affected with TSC1-related conditions. ClinVar contains an entry for this variant (Variation ID: 663558). Invitae Evidence Modeling of protein sequence and biophysical properties (such as structural, functional, and spatial information, amino acid conservation, physicochemical variation, residue mobility, and thermodynamic stability) indicates that this missense variant is not expected to disrupt TSC1 protein function with a negative predictive value of 95%. In summary, the available evidence is currently insufficient to determine the role of this variant in disease. Therefore, it has been classified as a Variant of Uncertain Significance.

Fulgent Genetics
Classification: Uncertain significance for Tuberous sclerosis 1; Lymphangiomyomatosis; Isolated focal cortical dysplasia type II. Last evaluated: 2024-03-06. Review status: criteria provided, single submitter. Criteria: ACMG Guidelines, 2015. Collection method: clinical testing. Allele origin: germline.

Baylor Genetics
Classification: Uncertain significance for Isolated focal cortical dysplasia type II. Last evaluated: 2023-11-11. Review status: criteria provided, single submitter. Criteria: ACMG Guidelines, 2015. Collection method: clinical testing. Allele origin: unknown.

PreventionGenetics, part of Exact Sciences
Classification: Uncertain significance for TSC1-related condition. Last evaluated: 2023-06-22. Review status: criteria provided, single submitter. Criteria: ACMG Guidelines, 2015. Collection method: clinical testing. Allele origin: germline.
Comment: The TSC1 c.2116C>T variant is predicted to result in the amino acid substitution p.Arg706Cys. To our knowledge, this variant has not been reported in the literature or in a large population database, indicating this variant is rare. At this time, the clinical significance of this variant is uncertain due to the absence of conclusive functional and genetic evidence.